The following is an entry in ClinVar:

ClinVar aggregate classification (germline): Uncertain significance (1 of 4 stars; one submission).

Submission:

Labcorp Genetics (formerly Invitae), Labcorp
Classification: Uncertain significance. Last evaluated: 2021-11-23. Review status: criteria provided, single submitter. Criteria: Invitae Variant Classification Sherloc (09022015). Collection method: clinical testing. Allele origin: germline.
Comment: In summary, the available evidence is currently insufficient to determine the role of this variant in disease. Therefore, it has been classified as a Variant of Uncertain Significance. Algorithms developed to predict the effect of missense changes on protein structure and function output the following: SIFT: "Tolerated"; PolyPhen-2: "Benign"; Align-GVGD: "Class C0". The arginine amino acid residue is found in multiple mammalian species, which suggests that this missense change does not adversely affect protein function. This sequence change replaces histidine, which is basic and polar, with arginine, which is basic and polar, at codon 198 of the C8orf37 protein (p.His198Arg). This variant is not present in population databases (gnomAD no frequency). This variant has not been reported in the literature in individuals affected with C8orf37-related conditions.

NM_177965.4(CFAP418):c.593A>G (p.His198Arg)

Gene: CFAP418 (cilia and flagella associated protein 418; minus strand). Cytogenetic location: 8q22.1.
Variant type: single nucleotide variant.
Coding change: c.593A>G on transcript NM_177965.4 (MANE Select); coding-DNA position 593, A replaced by G.
Protein change: p.His198Arg; replaces histidine 198 with arginine.
Molecular consequence: missense variant.
Genome position (GRCh38, 1-based): chr8:95,247,648, T>C on the plus strand (A>G on the coding strand, the complement: CFAP418 is on the minus strand). VCF-style: chr8-95247648-T-C. GRCh37 (hg19) VCF-style: chr8-96259876-T-C.
Other names: c.497A>G, p.His166Arg (NM_001363260.1); short protein forms H198R, H166R.
Identifiers: ClinVar variation 1940651 (VCV001940651.5), dbSNP rs2537136417, ClinGen allele CA371838124.